The following is an entry in ClinVar:

NM_000550.3(TYRP1):c.947C>A (p.Ala316Asp)

Genes: LURAP1L-AS1 (LURAP1L antisense RNA 1; minus strand), TYRP1 (tyrosinase related protein 1; plus strand). Cytogenetic location: 9p23.
Variant type: single nucleotide variant.
Coding change: c.947C>A on transcript NM_000550.3 (MANE Select); coding-DNA position 947, C replaced by A.
Protein change: p.Ala316Asp; replaces alanine 316 with aspartic acid.
Molecular consequence: missense variant.
Genome position (GRCh38, 1-based): chr9:12,702,304, C>A. VCF-style: chr9-12702304-C-A. GRCh37 (hg19) VCF-style: chr9-12702304-C-A.
Other names: c.947C>A (NM_000550.2); short protein forms A316D.
Identifiers: ClinVar variation 1500484 (VCV001500484.8), dbSNP rs766691498, ClinGen allele CA4985391.
Genomic context (GRCh38, chr9:12,702,304, plus strand): 5'-GTTTCCACATCCCATTTTTTTCTGCAGGCACCGAGGATGGGCCAATTAGGAGAAATCCAG[C>A]TGGAAATGTGGCCAGACCAATGGTGCAACGTCTTCCTGAACCACAGGATGTCGCTCAGTG-3'
Protein context (NP_000541.1, residues 306-326): TEDGPIRRNP[Ala316Asp]GNVARPMVQR

ClinVar aggregate classification (germline): Uncertain significance. Review status: criteria provided, multiple submitters, no conflicts (2 of 4 stars). 3 submissions from 3 submitters: Uncertain significance (3). Last evaluated 2024-11-19.

Conditions:
Inborn genetic diseases. Identifiers: MedGen C0950123, MeSH D030342.

Allele frequency attached by ClinVar (database versions not stated): TOPMed 0.00001.
gnomAD v4.1: 14 of 1,612,976 alleles (0.00087%); highest among the groups gnomAD compares: African/African-American, 0.0027%; no homozygotes.

Submissions (3):

Ambry Genetics
Classification: Uncertain significance for Inborn genetic diseases. Last evaluated: 2024-11-19. Review status: criteria provided, single submitter. Criteria: Ambry Variant Classification Scheme 2023. Collection method: clinical testing. Allele origin: germline.

GeneDx
Classification: Uncertain significance. Last evaluated: 2023-03-25. Review status: criteria provided, single submitter. Criteria: GeneDx Variant Classification Process June 2021. Collection method: clinical testing. Allele origin: germline. Affected: yes.
Comment: Has not been previously published as pathogenic or benign to our knowledge; Not observed at significant frequency in large population cohorts (gnomAD); In silico analysis supports that this missense variant does not alter protein structure/function

Labcorp Genetics (formerly Invitae), Labcorp
Classification: Uncertain significance. Last evaluated: 2022-02-04. Review status: criteria provided, single submitter. Criteria: Invitae Variant Classification Sherloc (09022015). Collection method: clinical testing. Allele origin: germline.
Comment: This sequence change replaces alanine, which is neutral and non-polar, with aspartic acid, which is acidic and polar, at codon 316 of the TYRP1 protein (p.Ala316Asp). This variant is present in population databases (rs766691498, gnomAD 0.007%). This variant has not been reported in the literature in individuals affected with TYRP1-related conditions. Algorithms developed to predict the effect of missense changes on protein structure and function are either unavailable or do not agree on the potential impact of this missense change (SIFT: "Tolerated"; PolyPhen-2: "Probably Damaging"; Align-GVGD: "Class C0"). In summary, the available evidence is currently insufficient to determine the role of this variant in disease. Therefore, it has been classified as a Variant of Uncertain Significance.